The following is an entry in ClinVar:

ClinVar aggregate classification (germline): Uncertain significance (1 of 4 stars; one submission).

gnomAD v4.1: 3 of 1,252,252 alleles (0.00024%); highest among the groups gnomAD compares: African/African-American, 0.0015%; no homozygotes.

Submission:

Labcorp Genetics (formerly Invitae), Labcorp
Classification: Uncertain significance. Last evaluated: 2025-04-23. Review status: criteria provided, single submitter. Criteria: Invitae Variant Classification Sherloc (09022015). Collection method: clinical testing. Allele origin: germline.
Comment: This sequence change replaces glycine, which is neutral and non-polar, with serine, which is neutral and polar, at codon 103 of the GATA5 protein (p.Gly103Ser). This variant is not present in population databases (gnomAD no frequency). This variant has not been reported in the literature in individuals affected with GATA5-related conditions. Invitae Evidence Modeling of protein sequence and biophysical properties (such as structural, functional, and spatial information, amino acid conservation, physicochemical variation, residue mobility, and thermodynamic stability) indicates that this missense variant is not expected to disrupt GATA5 protein function with a negative predictive value of 80%. In summary, the available evidence is currently insufficient to determine the role of this variant in disease. Therefore, it has been classified as a Variant of Uncertain Significance.

NM_080473.5(GATA5):c.307G>A (p.Gly103Ser)

Gene: GATA5 (GATA binding protein 5; minus strand). Cytogenetic location: 20q13.33.
Variant type: single nucleotide variant.
Coding change: c.307G>A on transcript NM_080473.5 (MANE Select); coding-DNA position 307, G replaced by A.
Protein change: p.Gly103Ser; replaces glycine 103 with serine.
Molecular consequence: missense variant.
Genome position (GRCh38, 1-based): chr20:62,475,215, C>T on the plus strand (G>A on the coding strand, the complement: GATA5 is on the minus strand). VCF-style: chr20-62475215-C-T. GRCh37 (hg19) VCF-style: chr20-61050271-C-T.
Other names: short protein forms G103S.
Identifiers: ClinVar variation 4803394 (VCV004803394.1).